The following is an entry in ClinVar:

ClinVar aggregate classification (germline): Uncertain significance. Review status: criteria provided, multiple submitters, no conflicts (2 of 4 stars). 2 submissions from 2 submitters: Uncertain significance (2). Last evaluated 2024-05-06.

Conditions:
Multiple endocrine neoplasia, type 1 (MEN1). Also called: MEN I; WERMER SYNDROME; Endocrine adenomatosis multiple; MEN 1; MEA I. Identifiers: Orphanet 652, MedGen C0025267, MeSH D018761, MONDO:0007540, OMIM 131100.

Allele frequency attached by ClinVar (database versions not stated): TOPMed below 0.00001; ExAC 0.00001; gnomAD 0.00001.
gnomAD v4.1: 1 of 1,614,000 alleles (0.000062%); highest among the groups gnomAD compares: East Asian, 0.0022%; no homozygotes.

Submissions (2):

Labcorp Genetics (formerly Invitae), Labcorp
Classification: Uncertain significance for Multiple endocrine neoplasia, type 1. Last evaluated: 2024-05-06. Review status: criteria provided, single submitter. Criteria: Invitae Variant Classification Sherloc (09022015). Collection method: clinical testing. Allele origin: germline.
Comment: This sequence change replaces leucine, which is neutral and non-polar, with valine, which is neutral and non-polar, at codon 170 of the MEN1 protein (p.Leu170Val). This variant is present in population databases (rs780275949, gnomAD 0.006%). This variant has not been reported in the literature in individuals affected with MEN1-related conditions. Advanced modeling of protein sequence and biophysical properties (such as structural, functional, and spatial information, amino acid conservation, physicochemical variation, residue mobility, and thermodynamic stability) performed at Invitae indicates that this missense variant is expected to disrupt MEN1 protein function with a positive predictive value of 95%. In summary, the available evidence is currently insufficient to determine the role of this variant in disease. Therefore, it has been classified as a Variant of Uncertain Significance.

GeneDx
Classification: Uncertain significance. Last evaluated: 2024-02-29. Review status: criteria provided, single submitter. Criteria: GeneDx Variant Classification Process June 2021. Collection method: clinical testing. Allele origin: germline. Affected: yes.
Comment: Not observed at significant frequency in large population cohorts (gnomAD); In silico analysis supports that this missense variant does not alter protein structure/function; Has not been previously published as pathogenic or benign to our knowledge; This variant is associated with the following publications: (PMID: 9989505)

NM_001370259.2(MEN1):c.508C>G (p.Leu170Val)

Gene: MEN1 (menin 1; minus strand). Cytogenetic location: 11q13.1.
Variant type: single nucleotide variant.
Coding change: c.508C>G on transcript NM_001370259.2 (MANE Select); coding-DNA position 508, C replaced by G.
Protein change: p.Leu170Val; replaces leucine 170 with valine.
Molecular consequence: missense variant. On other transcripts: non-coding transcript variant (4).
Genome position (GRCh38, 1-based): chr11:64,808,037, G>C on the plus strand (C>G on the coding strand, the complement: MEN1 is on the minus strand). VCF-style: chr11-64808037-G-C. GRCh37 (hg19) VCF-style: chr11-64575509-G-C.
Other names: c.523C>G, p.Leu175Val (NM_000244.4, NM_001407145.1, NM_001407150.1 and 5 more transcripts); c.508C>G, p.Leu170Val (NM_001370251.2, NM_001370260.2, NM_001370261.2 and 12 more transcripts); short protein forms L170V, L175V.
Identifiers: ClinVar variation 2988625 (VCV002988625.4), dbSNP rs780275949, ClinGen allele CA061234.